The following is an entry in ClinVar:

ClinVar aggregate classification (germline): Uncertain significance (1 of 4 stars; one submission).

Conditions:
Holocarboxylase synthetase deficiency. Also called: MULTIPLE CARBOXYLASE DEFICIENCY, EARLY ONSET. Identifiers: Orphanet 79242, MedGen C0268581, MONDO:0009666, OMIM 253270.

Allele frequency attached by ClinVar (database versions not stated): gnomAD exomes below 0.00001; ExAC 0.00001.
gnomAD v4.1: 1 of 1,613,778 alleles (0.000062%); highest among the groups gnomAD compares: East Asian, 0.0022%; no homozygotes.

Submission:

Labcorp Genetics (formerly Invitae), Labcorp
Classification: Uncertain significance for Holocarboxylase synthetase deficiency. Last evaluated: 2022-09-07. Review status: criteria provided, single submitter. Criteria: Invitae Variant Classification Sherloc (09022015). Collection method: clinical testing. Allele origin: germline.
Comment: In summary, the available evidence is currently insufficient to determine the role of this variant in disease. Therefore, it has been classified as a Variant of Uncertain Significance. Advanced modeling of protein sequence and biophysical properties (such as structural, functional, and spatial information, amino acid conservation, physicochemical variation, residue mobility, and thermodynamic stability) performed at Invitae indicates that this missense variant is not expected to disrupt HLCS protein function. This variant has not been reported in the literature in individuals affected with HLCS-related conditions. This variant is present in population databases (rs749413115, gnomAD 0.006%). This sequence change replaces valine, which is neutral and non-polar, with alanine, which is neutral and non-polar, at codon 640 of the HLCS protein (p.Val640Ala).

NM_001352514.2(HLCS):c.2360T>C (p.Val787Ala)

Gene: HLCS (holocarboxylase synthetase; minus strand). Cytogenetic location: 21q22.13.
Variant type: single nucleotide variant.
Coding change: c.2360T>C on transcript NM_001352514.2 (MANE Select); coding-DNA position 2360, T replaced by C.
Protein change: p.Val787Ala; replaces valine 787 with alanine.
Molecular consequence: missense variant. On other transcripts: non-coding transcript variant (2).
Genome position (GRCh38, 1-based): chr21:36,756,632, A>G on the plus strand (T>C on the coding strand, the complement: HLCS is on the minus strand). VCF-style: chr21-36756632-A-G. GRCh37 (hg19) VCF-style: chr21-38128933-A-G.
Other names: c.1919T>C, p.Val640Ala (NM_000411.8, NM_001242784.3, NM_001242785.2 and 4 more transcripts); short protein forms V640A, V787A.
Identifiers: ClinVar variation 1967703 (VCV001967703.5), dbSNP rs749413115, ClinGen allele CA10020284.